The following is an entry in ClinVar:

NM_003612.5(SEMA7A):c.1569C>T (p.Ser523=)

Gene: SEMA7A (semaphorin 7A (JohnMiltonHagen blood group); minus strand). Cytogenetic location: 15q24.1.
Variant type: single nucleotide variant.
Coding change: c.1569C>T on transcript NM_003612.5 (MANE Select); coding-DNA position 1569, C replaced by T.
Protein change: p.Ser523=; no amino-acid change (serine 523 retained).
Molecular consequence: synonymous variant.
Genome position (GRCh38, 1-based): chr15:74,411,564, G>A on the plus strand (C>T on the coding strand, the complement: SEMA7A is on the minus strand). VCF-style: chr15-74411564-G-A. GRCh37 (hg19) VCF-style: chr15-74703905-G-A.
Other names: c.1527C>T, p.Ser509= (NM_001146029.3); c.1074C>T, p.Ser358= (NM_001146030.3).
Identifiers: ClinVar variation 4980319 (VCV004980319.1).

ClinVar aggregate classification (germline): Likely benign (1 of 4 stars; one submission).

Conditions:
SEMA7A-related disorder. Also called: SEMA7A-related condition.

gnomAD v4.1: 533 of 1,572,658 alleles (0.034%); highest among the groups gnomAD compares: Non-Finnish European, 0.042%; no homozygotes.

Submission:

PreventionGenetics, part of Exact Sciences
Classification: Likely benign for SEMA7A-related condition. Last evaluated: 2026-07-14. Review status: criteria provided, single submitter. Criteria: ACMG Guidelines, 2015. Collection method: clinical testing. Allele origin: germline.
Comment: This variant is classified as likely benign based on ACMG/AMP sequence variant interpretation guidelines (Richards et al. 2015 PMID: 25741868, with internal and published modifications).